The following is an entry in ClinVar:

NM_001376.5(DYNC1H1):c.771A>T (p.Gln257His)

Gene: DYNC1H1 (dynein cytoplasmic 1 heavy chain 1; plus strand). Cytogenetic location: 14q32.31.
Variant type: single nucleotide variant.
Coding change: c.771A>T on transcript NM_001376.5 (MANE Select); coding-DNA position 771, A replaced by T.
Protein change: p.Gln257His; replaces glutamine 257 with histidine.
Molecular consequence: missense variant.
Genome position (GRCh38, 1-based): chr14:101,979,971, A>T. VCF-style: chr14-101979971-A-T. GRCh37 (hg19) VCF-style: chr14-102446308-A-T.
Other names: short protein forms Q257H.
Identifiers: ClinVar variation 4823468 (VCV004823468.4).
Genomic context (GRCh38, chr14:101,979,971, plus strand): 5'-AGACCCAACATTTCTTAATCAGTTACAATCTGGAGTTAACCGCTGGATCCGAGAAATTCA[A>T]AAAGTAAGAGCACAGGATTGAAAGTTATGTAAAATATGTTACTCTTTAATATCTTTGGGA-3'
Protein context (NP_001367.2, residues 247-267): SGVNRWIREI[Gln257His]KVTKLDRDPA

ClinVar aggregate classification (germline): Uncertain significance (1 of 4 stars; one submission).

Submission:

CeGaT Center for Human Genetics Tuebingen
Classification: Uncertain significance. Last evaluated: 2026-02-01. Review status: criteria provided, single submitter. Criteria: CeGaT Center For Human Genetics Tuebingen Variant Classification Criteria Version 2. Collection method: clinical testing. Allele origin: germline. Affected: yes. Observed: 1 variant allele.
Comment: DYNC1H1: PM2, PP2